The following is an entry in ClinVar:

NM_015046.7(SETX):c.4417C>T (p.Arg1473Cys)

Gene: SETX (senataxin; minus strand). Cytogenetic location: 9q34.13.
Variant type: single nucleotide variant.
Coding change: c.4417C>T on transcript NM_015046.7 (MANE Select); coding-DNA position 4417, C replaced by T.
Protein change: p.Arg1473Cys; replaces arginine 1473 with cysteine.
Molecular consequence: missense variant.
Genome position (GRCh38, 1-based): chr9:132,327,181, G>A on the plus strand (C>T on the coding strand, the complement: SETX is on the minus strand). VCF-style: chr9-132327181-G-A. GRCh37 (hg19) VCF-style: chr9-135202568-G-A.
Other names: c.4417C>T, p.Arg1473Cys (NM_001351527.2, NM_001351528.2); short protein forms R1473C.
Identifiers: ClinVar variation 805418 (VCV000805418.8), dbSNP rs781185115, ClinGen allele CA5297207.

ClinVar aggregate classification (germline): Conflicting classifications of pathogenicity. Review status: criteria provided, conflicting classifications (1 of 4 stars). 6 submissions from 5 submitters: Uncertain significance (5); Benign (1). Last evaluated 2026-03-18.

Conditions:
Inborn genetic diseases. Identifiers: MedGen C0950123, MeSH D030342.
Spinocerebellar ataxia, autosomal recessive, with axonal neuropathy 2 (SCAN2). Also called: ATAXIA-OCULOMOTOR APRAXIA 2; Ataxia with Oculomotor Apraxia Type 2; Ataxia-ocular apraxia-2; Ataxia with Oculomotor Apraxia. Identifiers: Orphanet 64753, MedGen C1853761, MONDO:0018996, OMIM 606002.
Amyotrophic lateral sclerosis type 4 (ALS4). Also called: AMYOTROPHIC LATERAL SCLEROSIS 4, JUVENILE; NEURONOPATHY, DISTAL HEREDITARY MOTOR, WITH PYRAMIDAL FEATURES. Identifiers: Orphanet 357043, MedGen C1865409, MONDO:0011223, OMIM 602433.
SETX-related disorder. Also called: SETX-related condition; SETX-related disorders. Identifiers: MedGen CN239403.

Allele frequency attached by ClinVar (database versions not stated): TOPMed below 0.00001; gnomAD 0.00001; gnomAD exomes 0.00004; ExAC 0.00005.
gnomAD v4.1: 54 of 1,613,994 alleles (0.0033%); highest among the groups gnomAD compares: South Asian, 0.014%; no homozygotes.

Submissions (6):

PreventionGenetics, part of Exact Sciences
Classification: Uncertain significance for SETX-related condition. Last evaluated: 2026-03-18. Review status: criteria provided, single submitter. Criteria: ACMG Guidelines, 2015. Collection method: clinical testing. Allele origin: germline.
Comment: The SETX c.4417C>T variant is predicted to result in the amino acid substitution p.Arg1473Cys. To our knowledge, this variant has not been reported in the literature. This variant is reported in 0.020% of alleles in individuals of South Asian descent in gnomAD. At this time, the clinical significance of this variant is uncertain due to the absence of conclusive functional and genetic evidence.

Ambry Genetics
Classification: Uncertain significance for Inborn genetic diseases. Last evaluated: 2025-10-02. Review status: criteria provided, single submitter. Criteria: Ambry Variant Classification Scheme 2023. Collection method: clinical testing. Allele origin: germline.

Labcorp Genetics (formerly Invitae), Labcorp
Classification: Benign for Amyotrophic lateral sclerosis type 4; Spinocerebellar ataxia, autosomal recessive, with axonal neuropathy 2. Last evaluated: 2024-04-09. Review status: criteria provided, single submitter. Criteria: Invitae Variant Classification Sherloc (09022015). Collection method: clinical testing. Allele origin: germline.

Genome-Nilou Lab
Classification: Uncertain significance for Spinocerebellar ataxia, autosomal recessive, with axonal neuropathy 2. Last evaluated: 2023-02-08. Review status: criteria provided, single submitter. Criteria: ACMG Guidelines, 2015. Collection method: clinical testing. Allele origin: germline.

Genome-Nilou Lab
Classification: Uncertain significance for Amyotrophic lateral sclerosis type 4. Last evaluated: 2023-02-08. Review status: criteria provided, single submitter. Criteria: ACMG Guidelines, 2015. Collection method: clinical testing. Allele origin: germline.

Athena Diagnostics
Classification: Uncertain significance. Last evaluated: 2019-04-24. Review status: criteria provided, single submitter. Criteria: Athena Diagnostics Criteria. Collection method: clinical testing. Allele origin: germline.